The following is an entry in ClinVar:

NM_004004.6(GJB2):c.389G>T (p.Gly130Val)

Gene: GJB2 (gap junction protein beta 2; minus strand). Cytogenetic location: 13q12.11.
Variant type: single nucleotide variant.
Coding change: c.389G>T on transcript NM_004004.6 (MANE Select); coding-DNA position 389, G replaced by T.
Protein change: p.Gly130Val; replaces glycine 130 with valine.
Molecular consequence: missense variant.
Genome position (GRCh38, 1-based): chr13:20,189,193, C>A on the plus strand (G>T on the coding strand, the complement: GJB2 is on the minus strand). VCF-style: chr13-20189193-C-A. GRCh37 (hg19) VCF-style: chr13-20763332-C-A.
Other names: c.389G>T (NM_004004.5); short protein forms G130V.
Identifiers: ClinVar variation 3721206 (VCV003721206.5).

ClinVar aggregate classification (germline): Pathogenic. Review status: criteria provided, multiple submitters, no conflicts (2 of 4 stars). 4 submissions from 4 submitters: Pathogenic (4). Last evaluated 2026-03-11.

Conditions:
Inborn genetic diseases. Identifiers: MedGen C0950123, MeSH D030342.
Nonsyndromic genetic hearing loss. Also called: Nonsyndromic hearing loss and deafness; Nonsyndromic genetic deafness; Non-syndromic genetic deafness. Identifiers: Orphanet 87884, MedGen C5680182, MONDO:0019497.
Autosomal recessive nonsyndromic hearing loss 1A (DFNB1A). Also called: GJB6-Related DFNB 1 Nonsyndromic Hearing Loss and Deafness; Deafness, autosomal recessive 1A; Connexin 26 deafness; Deafness nonsyndromic, Connexin 26 linked; GJB2-Related Autosomal Recessive Nonsyndromic Hearing Loss; Nonsyndromic Hearing Loss and Deafness, DFNB1. Identifiers: Orphanet 90636, MedGen C2673759, MONDO:0009076, OMIM 220290.

Submissions (4):

Women's Health and Genetics/Laboratory Corporation of America, LabCorp
Classification: Pathogenic for Nonsyndromic genetic hearing loss. Last evaluated: 2026-03-11. Review status: criteria provided, single submitter. Criteria: LabCorp Variant Classification Summary - May 2015. Collection method: clinical testing. Allele origin: germline.
Comment: Variant summary: GJB2 c.389G>T (p.Gly130Val) results in a non-conservative amino acid change in the encoded protein sequence. Algorithms developed to predict the effect of missense changes on protein structure and function all suggest that this variant is likely to be disruptive. The variant was absent in 250566 control chromosomes (gnomAD). c.389G>T has been observed in individuals affected with Autosomal Dominant Hearing Loss and features of Vohwinkel syndrome, including a de novo occurrence (e.g. Snoeckx_2005, Iossa_2009, Babanejad_2019). These data indicate that the variant is very likely to be associated with disease. The following publications have been ascertained in the context of this evaluation (PMID: 15954104, 18688874, 31419744). ClinVar contains an entry for this variant (Variation ID: 3721206). While this variant has been reported in the literature, the clinical significance of the variant for Autosomal Recessive Non-Syndromic Hearing Loss could not be established. Based on the evidence outlined above, the variant was classified as pathogenic for autosomal dominant hearing loss and related conditions.

Natera, Inc.
Classification: Pathogenic for Autosomal recessive deafness type 1A. Last evaluated: 2025-07-17. Review status: criteria provided, single submitter. Criteria: Natera Variant Classification Schema (03/2026). Collection method: clinical testing. Allele origin: germline.
Comment: The c.389G>T variant in GJB2 is a missense variant predicted to cause substitution of glycine to valine at amino acid 130. This variant is rare in the general population with a frequency below the threshold expected for the associated phenotype(s). This variant has been observed in one or more individuals affected with the associated recessive disease, as either homozygous or compound heterozygous with a second variant (PMID: 31992338, 21465647, 18688874). This variant has been observed in affected individual(s) with monoallelic occurrence (heterozygous/hemizygous) (PMID: 31992338, 31472357, 31419744, 15954104). Additionally, this variant has been observed to segregate in affected family members (PMID: 31472357, 18688874, 15954104). This variant has been confirmed as or assumed to be a de novo occurrence in one or more affected individuals (PMID: 31419744). Computational prediction algorithms indicate this variant is likely to affect gene or protein function. Given the available evidence, this variant is classified as Pathogenic.

Ambry Genetics
Classification: Pathogenic for Inborn genetic diseases. Last evaluated: 2024-12-27. Review status: criteria provided, single submitter. Criteria: Ambry Variant Classification Scheme 2023. Collection method: clinical testing. Allele origin: germline.
Comment: The c.389G>T (p.G130V) alteration is located in exon 2 (coding exon 1) of the GJB2 gene. This alteration results from a G to T substitution at nucleotide position 389, causing the glycine (G) at amino acid position 130 to be replaced by a valine (V). for autosomal dominant GJB2-related non-syndromic hearing loss; however, its clinical significance for autosomal dominant GJB2-related syndromic hearing loss with ectodermal involvement and autosomal recessive GJB2-related non-syndromic hearing loss is uncertain This variant was not reported in population-based cohorts in the Genome Aggregation Database (gnomAD). This variant was reported in individual(s) with features consistent with autosomal dominant non-syndromic hearing loss; in at least one individual, it was determined to be de novo (Bussini, 2019; Babanejad, 2019). Additionally, this variant has been reported heterozygous and in conjunction with other GJB2 variant(s) in individual(s) with sensorineural hearing loss and ectodermal findings (Snoeckx, 2005; Iossa, 2009). Other variant(s) at the same codon, c.389G>C (p.G130A), have been identified in individual(s) with features consistent with autosomal recessive GJB2-related non-syndromic hearing loss (Primignani, 2009). This amino acid position is highly conserved in available vertebrate species. This alteration is predicted to be deleterious by in silico analysis. Based on the available evidence, this alteration is classified as pathogenic.

Labcorp Genetics (formerly Invitae), Labcorp
Classification: Pathogenic. Last evaluated: 2024-05-13. Review status: criteria provided, single submitter. Criteria: Invitae Variant Classification Sherloc (09022015). Collection method: clinical testing. Allele origin: germline.
Comment: This sequence change replaces glycine, which is neutral and non-polar, with valine, which is neutral and non-polar, at codon 130 of the GJB2 protein (p.Gly130Val). This variant is not present in population databases (gnomAD no frequency). This missense change has been observed in individual(s) with autosomal dominant deafness (PMID: 15954104, 18688874, 31472357). In at least one individual the variant was observed to be de novo. It has also been observed to segregate with disease in related individuals. Advanced modeling of protein sequence and biophysical properties (such as structural, functional, and spatial information, amino acid conservation, physicochemical variation, residue mobility, and thermodynamic stability) performed at Invitae indicates that this missense variant is expected to disrupt GJB2 protein function with a positive predictive value of 95%. For these reasons, this variant has been classified as Pathogenic.

Literature cited by the submitters: PubMed 15954104 (cited by 4 submitters); PubMed 31419744 (cited by 3 submitters); PubMed 18688874 (cited by 4 submitters); PubMed 31992338 (cited by Natera, Inc. and Ambry Genetics); PubMed 21465647 (cited by Natera, Inc.); PubMed 31472357 (cited by 3 submitters); PubMed 19371219 (cited by Ambry Genetics).